The following is an entry in ClinVar:

ClinVar aggregate classification (germline): Likely pathogenic. Review status: criteria provided, multiple submitters, no conflicts (2 of 4 stars). 3 submissions from 3 submitters: Likely pathogenic (2). 1 of the submissions does not count toward it. Last evaluated 2024-12-27.

Conditions:
Cardiovascular phenotype. Identifiers: MedGen CN230736.
Alstrom syndrome (ALMS). Identifiers: Orphanet 64, MedGen C0268425, MONDO:0008763, OMIM 203800.

Submissions (3):

Women's Health and Genetics/Laboratory Corporation of America, LabCorp
Classification: Likely pathogenic for Alstrom syndrome. Last evaluated: 2024-12-27. Review status: criteria provided, single submitter. Criteria: LabCorp Variant Classification Summary - May 2015. Collection method: clinical testing. Allele origin: germline.
Comment: Variant summary: ALMS1 c.1432+1G>T (also known as c.1435+1G>T) is located in a canonical splice-site and is predicted to affect mRNA splicing resulting in a significantly altered protein due to either exon skipping, shortening, or inclusion of intronic material. Variants that disrupt the consensus splice site are a relatively common cause of aberrant splicing and loss of ALMS1 function. Several computational tools predict a significant impact on normal splicing: Four predict the variant abolishes a 5' splicing donor site. However, these predictions have yet to be confirmed by functional studies. The variant was absent in 248918 control chromosomes. To our knowledge, no occurrence of c.1432+1G>T in individuals affected with Alstrom Syndrome and no experimental evidence demonstrating its impact on protein function have been reported. ClinVar contains an entry for this variant (Variation ID: 556522). Based on the evidence outlined above, the variant was classified as likely pathogenic.

Ambry Genetics
Classification: Likely pathogenic for Cardiovascular phenotype. Last evaluated: 2020-08-11. Review status: criteria provided, single submitter. Criteria: Ambry Variant Classification Scheme 2023. Collection method: clinical testing. Allele origin: germline.
Comment: The c.1435+1G>T intronic variant results from a G to T substitution one nucleotide after coding exon 7 of the ALMS1 gene. This nucleotide position is highly conserved in available vertebrate species. This variant was not reported in population-based cohorts in the Genome Aggregation Database (gnomAD). In silico splice site analysis predicts that this alteration will weaken the native splice donor site. Alterations that disrupt the canonical splice site are expected to cause aberrant splicing, resulting in an abnormal protein or a transcript that is subject to nonsense-mediated mRNA decay. As such, this alteration is classified as likely pathogenic.

Counsyl
Classification: Likely pathogenic for Alstrom syndrome. Last evaluated: 2018-02-09. Review status: no assertion criteria provided. Collection method: clinical testing. Allele origin: unknown. Not counted in ClinVar's aggregate classification.

NM_001378454.1(ALMS1):c.1432+1G>T

Gene: ALMS1 (ALMS1 centrosome and basal body associated protein; plus strand). Cytogenetic location: 2p13.1.
Variant type: single nucleotide variant.
Coding change: c.1432+1G>T on transcript NM_001378454.1 (MANE Select); the canonical splice donor site of the intron after coding-DNA position 1432, G replaced by T.
Molecular consequence: splice donor variant.
Genome position (GRCh38, 1-based): chr2:73,432,292, G>T. VCF-style: chr2-73432292-G-T. GRCh37 (hg19) VCF-style: chr2-73659420-G-T.
Other names: c.1432+1G>T (NM_015120.4); c.1435+1G>T (NM_015120.4).
Identifiers: ClinVar variation 556522 (VCV000556522.5), dbSNP rs1553401634, ClinGen allele CA347262722.